The following is an entry in ClinVar:

NM_000257.4(MYH7):c.1084A>G (p.Met362Val)

Gene: MYH7 (myosin heavy chain 7; minus strand). Cytogenetic location: 14q11.2.
Variant type: single nucleotide variant.
Coding change: c.1084A>G on transcript NM_000257.4 (MANE Select); coding-DNA position 1084, A replaced by G.
Protein change: p.Met362Val; replaces methionine 362 with valine.
Molecular consequence: missense variant.
Genome position (GRCh38, 1-based): chr14:23,429,829, T>C on the plus strand (A>G on the coding strand, the complement: MYH7 is on the minus strand). VCF-style: chr14-23429829-T-C. GRCh37 (hg19) VCF-style: chr14-23899038-T-C.
Other names: c.1084A>G, p.Met362Val (NM_001407004.1); short protein forms M362V.
Identifiers: ClinVar variation 2563045 (VCV002563045.2), dbSNP rs606231317, ClinGen allele CA389051392.
Genomic context (GRCh38, chr14:23,429,829, plus strand): 5'-TCCCACCTTCAGTGCCGTCTGGCTCCGCCTGCTCCTCCCGCTGCTTCAGCTTGAACTTCA[T>C]GTTTCCAAAGTGCATGATGGCGCCTGTCAGCTTATACATGGAGTTTTTCTCCTCTGAAGT-3'
Protein context (NP_000248.2, residues 352-372): LTGAIMHFGN[Met362Val]KFKLKQREEQ

ClinVar aggregate classification (germline): Uncertain significance (1 of 4 stars; one submission).

Conditions:
Cardiovascular phenotype. Identifiers: MedGen CN230736.

Submission:

Ambry Genetics
Classification: Uncertain significance for Cardiovascular phenotype. Last evaluated: 2023-04-12. Review status: criteria provided, single submitter. Criteria: Ambry Variant Classification Scheme 2023. Collection method: clinical testing. Allele origin: germline.
Comment: The p.M362V variant (also known as c.1084A>G), located in coding exon 10 of the MYH7 gene, results from an A to G substitution at nucleotide position 1084. The methionine at codon 362 is replaced by valine, an amino acid with highly similar properties. This alteration is located in the myosin head domain, which contains a statistically significant clustering of pathogenic missense variants (Homburger JR et al. Proc Natl Acad Sci U S A, 2016 06;113:6701-6; Walsh R et al. Genet Med, 2017 02;19:192-203; Ambry internal data). This alteration has been reported in a hypertrophic cardiomyopathy (HCM) cohort; however, clinical details are limited (G&oacute;mez J et al. Circ J, 2014 Oct;78:2963-71). This amino acid position is highly conserved in available vertebrate species. In addition, this alteration is predicted to be deleterious by in silico analysis. Since supporting evidence is limited at this time, the clinical significance of this alteration remains unclear.

Literature cited by the submitters: PubMed 25342278.